The following is an entry in ClinVar:

NM_001378183.1(PIEZO2):c.948G>A (p.Thr316=)

Gene: PIEZO2 (piezo type mechanosensitive ion channel component 2; minus strand). Cytogenetic location: 18p11.22.
Variant type: single nucleotide variant.
Coding change: c.948G>A on transcript NM_001378183.1 (MANE Select); coding-DNA position 948, G replaced by A.
Protein change: p.Thr316=; no amino-acid change (threonine 316 retained).
Molecular consequence: synonymous variant.
Genome position (GRCh38, 1-based): chr18:10,807,244, C>T on the plus strand (G>A on the coding strand, the complement: PIEZO2 is on the minus strand). VCF-style: chr18-10807244-C-T. GRCh37 (hg19) VCF-style: chr18-10807242-C-T.
Other names: c.948G>A, p.Thr316= (NM_022068.4).
Identifiers: ClinVar variation 1480960 (VCV001480960.31), dbSNP rs372688364, ClinGen allele CA8892794.
Genomic context (GRCh38, chr18:10,807,244, plus strand): 5'-GGCGTGGTGGTACCACGACAGGTCCGGGTTCACTATGATCTTCCAAGTACTTGAACAGTC[C>T]GTTTGAATTACTGACTTGATACCAAACAACCTGTTAAAAAACAAAGAAAAATGCTTAAAA-3'
Protein context (NP_001365112.1, residues 306-326): RLFGIKSVIQ[Thr316=]DCSSTWKIIV

ClinVar aggregate classification (germline): Likely benign. Review status: criteria provided, multiple submitters, no conflicts (2 of 4 stars). 2 submissions from 2 submitters: Likely benign (2). Last evaluated 2026-01-01.

Allele frequency attached by ClinVar (database versions not stated): ExAC 0.00010; gnomAD exomes 0.00026; gnomAD 0.00029 and 0.00030; TOPMed 0.00030; ESP Exome Variant Server 0.00044.

Submissions (2):

CeGaT Center for Human Genetics Tuebingen
Classification: Likely benign. Last evaluated: 2026-01-01. Review status: criteria provided, single submitter. Criteria: CeGaT Center For Human Genetics Tuebingen Variant Classification Criteria Version 2. Collection method: clinical testing. Allele origin: germline. Affected: yes. Observed: 3 variant alleles.
Comment: PIEZO2: BP4, BP7

Labcorp Genetics (formerly Invitae), Labcorp
Classification: Likely benign. Last evaluated: 2024-11-11. Review status: criteria provided, single submitter. Criteria: Invitae Variant Classification Sherloc (09022015). Collection method: clinical testing. Allele origin: germline.